The following is an entry in ClinVar:

NM_015272.5(RPGRIP1L):c.99A>C (p.Thr33=)

Gene: RPGRIP1L (RPGRIP1 like; minus strand). Cytogenetic location: 16q12.2.
Variant type: single nucleotide variant.
Coding change: c.99A>C on transcript NM_015272.5 (MANE Select); coding-DNA position 99, A replaced by C.
Protein change: p.Thr33=; no amino-acid change (threonine 33 retained).
Molecular consequence: synonymous variant.
Genome position (GRCh38, 1-based): chr16:53,696,282, T>G on the plus strand (A>C on the coding strand, the complement: RPGRIP1L is on the minus strand). VCF-style: chr16-53696282-T-G. GRCh37 (hg19) VCF-style: chr16-53730194-T-G.
Other names: c.99A>C (NM_015272.4); c.99A>C, p.Thr33= (NM_001127897.4, NM_001308334.3, NM_001328422.2 and 2 more transcripts).
Identifiers: ClinVar variation 1110668 (VCV001110668.10), dbSNP rs768545485, ClinGen allele CA495539393.

ClinVar aggregate classification (germline): Likely benign. Review status: criteria provided, multiple submitters, no conflicts (2 of 4 stars). 2 submissions from 2 submitters: Likely benign (2). Last evaluated 2024-10-15.

Conditions:
RPGRIP1L-related disorder. Also called: RPGRIP1L-related condition; RPGRIP1L-related disorders. Identifiers: MedGen CN239416.
Meckel-Gruber syndrome. Also called: DYSENCEPHALIA SPLANCHNOCYSTICA; Dysencephalia splachnocystica; GRUBER SYNDROME. Identifiers: Orphanet 564, MedGen C0265215, MONDO:0018921.
Joubert syndrome. Also called: Familial aplasia of the vermis; JOUBERT-BOLTSHAUSER SYNDROME. Identifiers: Orphanet 475, MedGen C5979921, MONDO:0018772.

Allele frequency attached by ClinVar (database versions not stated): gnomAD exomes 0.00001.
gnomAD v4.1: 2 of 1,613,988 alleles (0.00012%); highest among the groups gnomAD compares: Admixed American, 0.0033%; no homozygotes.

Submissions (2):

PreventionGenetics, part of Exact Sciences
Classification: Likely benign for RPGRIP1L-related condition. Last evaluated: 2024-10-15. Review status: criteria provided, single submitter. Criteria: ACMG Guidelines, 2015. Collection method: clinical testing. Allele origin: germline.
Comment: This variant is classified as likely benign based on ACMG/AMP sequence variant interpretation guidelines (Richards et al. 2015 PMID: 25741868, with internal and published modifications).

Labcorp Genetics (formerly Invitae), Labcorp
Classification: Likely benign for Joubert syndrome; Meckel-Gruber syndrome. Last evaluated: 2020-07-28. Review status: criteria provided, single submitter. Criteria: Invitae Variant Classification Sherloc (09022015). Collection method: clinical testing. Allele origin: germline.